The following is an entry in ClinVar:

NM_052947.4(ALPK2):c.3178A>G (p.Ile1060Val)

Gene: ALPK2 (alpha kinase 2; minus strand). Cytogenetic location: 18q21.31.
Variant type: single nucleotide variant.
Coding change: c.3178A>G on transcript NM_052947.4 (MANE Select); coding-DNA position 3178, A replaced by G.
Protein change: p.Ile1060Val; replaces isoleucine 1060 with valine.
Molecular consequence: missense variant.
Genome position (GRCh38, 1-based): chr18:58,537,009, T>C on the plus strand (A>G on the coding strand, the complement: ALPK2 is on the minus strand). VCF-style: chr18-58537009-T-C. GRCh37 (hg19) VCF-style: chr18-56204241-T-C.
Other names: short protein forms I1060V.
Identifiers: ClinVar variation 3290535 (VCV003290535.1).

ClinVar aggregate classification (germline): Uncertain significance (1 of 4 stars; one submission).

Submission:

Ambry Genetics
Classification: Uncertain significance. Last evaluated: 2024-05-24. Review status: criteria provided, single submitter. Criteria: Ambry Variant Classification Scheme 2023. Collection method: clinical testing. Allele origin: germline.
Comment: The p.I1060V variant (also known as c.3178A>G), located in coding exon 4 of the ALPK2 gene, results from an A to G substitution at nucleotide position 3178. The isoleucine at codon 1060 is replaced by valine, an amino acid with highly similar properties. This amino acid position is conserved. In addition, this alteration is predicted to be tolerated by in silico analysis. Based on the available evidence, the clinical significance of this variant remains unclear.